The following is an entry in ClinVar:

ClinVar aggregate classification (germline): Uncertain significance (1 of 4 stars; one submission).

Conditions:
Familial cold autoinflammatory syndrome 2 (FCAS2). Identifiers: Orphanet 247868, MedGen C2673198, MONDO:0012724, OMIM 611762.

Allele frequency attached by ClinVar (database versions not stated): gnomAD exomes below 0.00001.

Submission:

Labcorp Genetics (formerly Invitae), Labcorp
Classification: Uncertain significance for Familial cold autoinflammatory syndrome 2. Last evaluated: 2021-01-04. Review status: criteria provided, single submitter. Criteria: Invitae Variant Classification Sherloc (09022015). Collection method: clinical testing. Allele origin: germline.
Comment: This variant has not been reported in the literature in individuals with NLRP12-related conditions. This variant is not present in population databases (ExAC no frequency). This variant, c.868_870del, results in the deletion of 1 amino acid(s) of the NLRP12 protein (p.Leu290del), but otherwise preserves the integrity of the reading frame. Experimental studies and prediction algorithms are not available or were not evaluated, and the functional significance of this variant is currently unknown. In summary, the available evidence is currently insufficient to determine the role of this variant in disease. Therefore, it has been classified as a Variant of Uncertain Significance.

NM_144687.4(NLRP12):c.868_870del (p.Leu290del)

Gene: NLRP12 (NLR family pyrin domain containing 12; minus strand). Cytogenetic location: 19q13.42.
Variant type: Deletion.
Coding change: c.868_870del on transcript NM_144687.4 (MANE Select); coding-DNA positions 868 to 870, 3 bases deleted (CTT; older notation c.868_870delCTT).
Protein change: p.Leu290del; deletes leucine 290.
Molecular consequence: inframe deletion.
Genome position (GRCh38, 1-based): chr19:53,810,789-53,810,791, AAG deleted on the plus strand (CTT on the coding strand, the reverse complement: NLRP12 is on the minus strand). VCF-style (leftmost placement, unchanged base first): chr19-53810788-AAAG-A. GRCh37 (hg19) VCF-style: chr19-54314042-AAAG-A.
Other names: c.868_870del, p.Leu290del (NM_001277126.2, NM_001277129.1); short protein forms L290del.
Identifiers: ClinVar variation 1402081 (VCV001402081.8), dbSNP rs2122675887, ClinGen allele CA2573156816.